The following is an entry in ClinVar:

NM_001813.3(CENPE):c.2280G>C (p.Arg760Ser)

Gene: CENPE (centromere protein E; minus strand). Cytogenetic location: 4q24.
Variant type: single nucleotide variant.
Coding change: c.2280G>C on transcript NM_001813.3 (MANE Select); coding-DNA position 2280, G replaced by C.
Protein change: p.Arg760Ser; replaces arginine 760 with serine.
Molecular consequence: missense variant.
Genome position (GRCh38, 1-based): chr4:103,160,631, C>G on the plus strand (G>C on the coding strand, the complement: CENPE is on the minus strand). VCF-style: chr4-103160631-C-G. GRCh37 (hg19) VCF-style: chr4-104081788-C-G.
Other names: c.2205G>C, p.Arg735Ser (NM_001286734.2); short protein forms R735S, R760S.
Identifiers: ClinVar variation 3364252 (VCV003364252.2).
Genomic context (GRCh38, chr4:103,160,631, plus strand): 5'-ATCGCAAAGGTTTTTATTTCAAAATAAGGGATAAGTGCTTATAAATGTGTTTACCTCTTT[C>G]CTCAGCCTTTCTACTTCAGAAGGTAAAGATTTCAATTCTGAAAGCAAAATGACTTCTTCC-3'
Protein context (NP_001804.2, residues 750-770): KSLPSEVERL[Arg760Ser]KEIQDKSEEL

ClinVar aggregate classification (germline): Uncertain significance. Review status: criteria provided, multiple submitters, no conflicts (2 of 4 stars). 2 submissions from 2 submitters: Uncertain significance (2). Last evaluated 2025-03-03.

Submissions (2):

Ambry Genetics
Classification: Uncertain significance. Last evaluated: 2025-03-03. Review status: criteria provided, single submitter. Criteria: Ambry Variant Classification Scheme 2023. Collection method: clinical testing. Allele origin: germline.

GeneDx
Classification: Uncertain significance. Last evaluated: 2023-11-15. Review status: criteria provided, single submitter. Criteria: GeneDx Variant Classification Process June 2021. Collection method: clinical testing. Allele origin: germline. Affected: yes.
Comment: Not observed at significant frequency in large population cohorts (gnomAD); In silico analysis supports that this missense variant has a deleterious effect on protein structure/function; Has not been previously published as pathogenic or benign to our knowledge